The following is an entry in ClinVar:

NM_001034853.2(RPGR):c.28+1G>C

Genes: RPGR (retinitis pigmentosa GTPase regulator; minus strand), LOC130068098 (ATAC-STARR-seq lymphoblastoid silent region 20735; plus strand). Cytogenetic location: Xp11.4.
Variant type: single nucleotide variant.
Coding change: c.28+1G>C on transcript NM_001034853.2 (MANE Select); the canonical splice donor site of the intron after coding-DNA position 28, G replaced by C.
Molecular consequence: splice donor variant.
Genome position (GRCh38, 1-based): chrX:38,327,339, C>G on the plus strand (G>C on the coding strand, the complement: RPGR is on the minus strand). VCF-style: chrX-38327339-C-G. GRCh37 (hg19) VCF-style: chrX-38186592-C-G.
Other names: c.28+1G>C (NM_001367249.1, NM_001367250.1, NM_001367245.1 and 4 more transcripts).
Identifiers: ClinVar variation 636110 (VCV000636110.3), dbSNP rs62638627, ClinGen allele CA412746851.
Genomic context (GRCh38, chrX:38,327,339, plus strand): 5'-GGCCCGGCCGCCCGCGGACCCTCCCTCCCGGCCTTCCGCCACCGGCGCGGGCGCAACTCA[C>G]CGGGCATCAGCTCTTCCGGCTCCCTCATGCCACGGGCAGTACGGGCAGCCTGCGCCGGGG-3'

ClinVar aggregate classification (germline): Pathogenic. Review status: reviewed by expert panel (3 of 4 stars). 2 submissions from 2 submitters: Pathogenic (1). 1 of the submissions does not count toward it. Last evaluated 2025-09-05.

Conditions:
RPGR-related retinopathy. Also called: RPGR retinopathy. Identifiers: MedGen CN305589, MONDO:0100437.
Retinitis pigmentosa (RP). Identifiers: Orphanet 791, MedGen C0035334, MeSH D012174, MONDO:0019200, OMIM 268000. Inheritance: Autosomal dominant, autosomal recessive and X linked inheritance.

Submissions (2):

ClinGen X-linked Inherited Retinal Disease Variant Curation Expert Panel, ClinGen
Classification: Pathogenic for RPGR-related retinopathy. Last evaluated: 2025-09-05. Review status: reviewed by expert panel. Criteria: ClinGen X LinkedIRD ACMG Specifications RPGR V1.0.0. Collection method: curation. Allele origin: germline. Inheritance: X-linked inheritance.
Comment: NM_001034853.2(RPGR):c.28+1G>C is a canonical splice site variant in intron 1 that is predicted to disrupt splicing and induce exon skipping, which is expected to disrupt a critical functional domain in RPGR (PVS1). Another variant at the same position in the donor +1/+2 dinucleotide, NM_001034853.2(RPGR):c.28+1G>A, has previously been classified pathogenic by the X-linked IRD VCEP (PS1_Supporting). This variant is absent from gnomAD v4.1.0 (PM2_Supporting). This variant has been reported in at least 1 proband meeting one of the PS4 requirements of a male with some functional vision impairment by age 30 years and/or decreased or absent electroretinogram responses (PMID: 30718709), however, PS4_Supporting requires at least 2 unrelated probands, so this criterion was not met. In summary, this variant is classified as pathogenic for RPGR-related retinopathy based on the ClinGen X-linked Inherited Retinal Disease Expert Panel Specifications to the ACMG/AMP Variant Interpretation Guidelines for RPGR Version 1.0.0; PVS1, PM2_Supporting, and PS1_Supporting.

Department of Clinical Genetics, Copenhagen University Hospital, Rigshospitalet
Classification: Pathogenic for Retinitis pigmentosa. Last evaluated: 2018-04-01. Review status: no assertion criteria provided. Collection method: research. Allele origin: unknown. Affected: yes. Study: VeluxRD. Not counted in ClinVar's aggregate classification.

Literature cited by the submitters: PubMed 30718709 (cited by Department of Clinical Genetics, Copenhagen University Hospital, Rigshospitalet).